The following is an entry in ClinVar:

ClinVar aggregate classification (germline): Uncertain significance (1 of 4 stars; one submission).

Submission:

Labcorp Genetics (formerly Invitae), Labcorp
Classification: Uncertain significance. Last evaluated: 2022-07-06. Review status: criteria provided, single submitter. Criteria: Invitae Variant Classification Sherloc (09022015). Collection method: clinical testing. Allele origin: germline.
Comment: This variant is not present in population databases (gnomAD no frequency). This sequence change replaces glutamic acid, which is acidic and polar, with aspartic acid, which is acidic and polar, at codon 8 of the CARD8 protein (p.Glu8Asp). This variant has not been reported in the literature in individuals affected with CARD8-related conditions. ClinVar contains an entry for this variant (Variation ID: 1365014). Algorithms developed to predict the effect of missense changes on protein structure and function are either unavailable or do not agree on the potential impact of this missense change (SIFT: "Deleterious"; PolyPhen-2: "Not Available"; Align-GVGD: "Class C0"). In summary, the available evidence is currently insufficient to determine the role of this variant in disease. Therefore, it has been classified as a Variant of Uncertain Significance.

NM_001184900.3(CARD8):c.24A>T (p.Glu8Asp)

Gene: CARD8 (caspase recruitment domain family member 8; minus strand). Cytogenetic location: 19q13.33.
Variant type: single nucleotide variant.
Coding change: c.24A>T on transcript NM_001184900.3 (MANE Select); coding-DNA position 24, A replaced by T.
Protein change: p.Glu8Asp; replaces glutamic acid 8 with aspartic acid.
Molecular consequence: missense variant. On other transcripts: 5 prime UTR variant (7), non-coding transcript variant (4).
Genome position (GRCh38, 1-based): chr19:48,240,997, T>A on the plus strand (A>T on the coding strand, the complement: CARD8 is on the minus strand). VCF-style: chr19-48240997-T-A. GRCh37 (hg19) VCF-style: chr19-48744254-T-A.
Other names: c.24A>T, p.Glu8Asp (NM_001184901.1, NM_001184902.2, NM_001184903.1 and 6 more transcripts); c.-101A>T (NM_001351784.2, NM_001351787.2, NM_001351791.2 and 2 more transcripts); c.-315A>T (NM_001351786.2); c.-179A>T (NM_001351790.2); short protein forms E8D.
Identifiers: ClinVar variation 1365014 (VCV001365014.8), dbSNP rs2146671147, ClinGen allele CA406648604.